The following is an entry in ClinVar:

NM_000091.5(COL4A3):c.4207G>A (p.Gly1403Arg)

Genes: COL4A3 (collagen type IV alpha 3 chain; plus strand), MFF-DT (MFF divergent transcript; minus strand). Cytogenetic location: 2q36.3.
Variant type: single nucleotide variant.
Coding change: c.4207G>A on transcript NM_000091.5 (MANE Select); coding-DNA position 4207, G replaced by A.
Protein change: p.Gly1403Arg; replaces glycine 1403 with arginine.
Molecular consequence: missense variant.
Genome position (GRCh38, 1-based): chr2:227,305,038, G>A. VCF-style: chr2-227305038-G-A. GRCh37 (hg19) VCF-style: chr2-228169754-G-A.
Other names: short protein forms G1403R.
Identifiers: ClinVar variation 3339865 (VCV003339865.4).

ClinVar aggregate classification (germline): Conflicting classifications of pathogenicity. Review status: criteria provided, conflicting classifications (1 of 4 stars). 4 submissions from 4 submitters: Likely pathogenic (2); Uncertain significance (2). Last evaluated 2025-12-23.

Conditions:
Autosomal dominant Alport syndrome (ATS3A). Also called: Alport syndrome dominant type; Renal failure and sensorineural hearing loss; ALPORT SYNDROME 3A, AUTOSOMAL DOMINANT. Identifiers: Orphanet 63, Orphanet 88918, MedGen C5882663, MONDO:0007086, OMIM 104200.
Hematuria, benign familial, 2 (BFH2). Identifiers: MedGen C5830421, MONDO:0958186, OMIM 620320.
Alport syndrome 3b, autosomal recessive. Identifiers: MedGen C5882699, MONDO:0957811, OMIM 620536.
Alport syndrome. Also called: Hemorrhagic familial nephritis; Hemorrhagic hereditary nephritis; Congenital hereditary hematuria. Identifiers: Orphanet 63, MedGen C1567741, MONDO:0018965.

gnomAD v4.1: 10 of 1,613,934 alleles (0.00062%); highest among the groups gnomAD compares: East Asian, 0.022%; no homozygotes.

Submissions (4):

3billion
Classification: Uncertain significance for Alport syndrome 3b, autosomal recessive. Last evaluated: 2025-12-23. Review status: criteria provided, single submitter. Criteria: ACMG Guidelines, 2015. Collection method: clinical testing. Allele origin: germline. Affected: yes.
Comment: The variant is observed at an extremely low frequency in the gnomAD v4.1.0 dataset (total allele frequency: <0.001%). Predicted Consequence/Location: Missense variant In silico tool predictions suggest damaging effect of the variant on gene or gene product [REVEL: 0.99 (>=0.6, sensitivity 0.68 and specificity 0.92)]. The same nucleotide change resulting in the same amino acid change has been previously reported to be associated with COL4A3-related disorder (ClinVar ID: VCV003339865 /PMID: 28704582).A different missense change at the same codon (p.Gly1403Glu) has been reported to be associated with COL4A3-related disorder (PMID: 34556655). However the evidence of pathogenicity is insufficient at this time. Therefore, this variant is classified as VUS according to the recommendation of ACMG/AMP guideline.

Natera, Inc.
Classification: Likely pathogenic for Alport syndrome. Last evaluated: 2025-06-11. Review status: criteria provided, single submitter. Criteria: Natera Variant Classification Schema (03/2026). Collection method: clinical testing. Allele origin: germline.
Comment: The c.4207G>A variant in COL4A3 is a missense variant predicted to cause substitution of glycine to arginine at amino acid 1403. This variant is rare in the general population with a frequency below the threshold expected for the associated phenotype(s). This variant is located in a functionally critical region of the protein. Computational prediction algorithms indicate this variant is likely to affect gene or protein function. Given the available evidence, this variant is classified as Likely Pathogenic.

Fulgent Genetics
Classification: Likely pathogenic for Autosomal dominant Alport syndrome; Hematuria, benign familial, 2; Alport syndrome 3b, autosomal recessive. Last evaluated: 2024-06-23. Review status: criteria provided, single submitter. Criteria: ACMG Guidelines, 2015. Collection method: clinical testing. Allele origin: germline.

Women's Health and Genetics/Laboratory Corporation of America, LabCorp
Classification: Uncertain significance. Last evaluated: 2024-06-21. Review status: criteria provided, single submitter. Criteria: LabCorp Variant Classification Summary - May 2015. Collection method: clinical testing. Allele origin: germline.
Comment: Variant summary: COL4A3 c.4207G>A (p.Gly1403Arg) results in a non-conservative amino acid change located within the triple-helical region (UniProt) of the encoded protein sequence. This missense variant disrupts a glycine residue at a position in the collagenous domain of the collagen IV alpha 3 chain for which the impact is not known. Five of five in-silico tools predict a damaging effect of the variant on protein function. The variant allele was found at a frequency of 4e-06 in 249188 control chromosomes. The available data on variant occurrences in the general population are insufficient to allow any conclusion about variant significance. c.4207G>A has been reported in the literature in a heterozygous individual affected with thin basement membrane nephropathy (TBMN)/Autosomal dominant Alport syndrome (Imafuku_2018). c.4207G>A has also been reported in the literature in an individual with a co-occurring truncating variant in the COL4A5 gene with Alport syndrome (Zhang_2019). These data do not allow convincing conclusions about the association between the variant and disease. To our knowledge, no experimental evidence demonstrating an impact on protein function has been reported. The following publications have been ascertained in the context of this evaluation (PMID: 36013122, 36292665, 28704582, 35675912, 30883042). No submitters have cited clinical-significance assessments for this variant to ClinVar. Based on the evidence outlined above, the variant was classified as uncertain significance.

Literature cited by the submitters: PubMed 28704582 (cited by 3billion and Women's Health and Genetics/Laboratory Corporation of America, LabCorp); PubMed 34556655 (cited by 3billion); PubMed 36013122 (cited by Women's Health and Genetics/Laboratory Corporation of America, LabCorp); PubMed 36292665 (cited by Women's Health and Genetics/Laboratory Corporation of America, LabCorp); PubMed 35675912 (cited by Women's Health and Genetics/Laboratory Corporation of America, LabCorp); PubMed 30883042 (cited by Women's Health and Genetics/Laboratory Corporation of America, LabCorp).